The following is an entry in ClinVar:

NM_001386298.1(CIC):c.3689A>G (p.Gln1230Arg)

Gene: CIC (capicua transcriptional repressor; plus strand). Cytogenetic location: 19q13.2.
Variant type: single nucleotide variant.
Coding change: c.3689A>G on transcript NM_001386298.1 (MANE Select); coding-DNA position 3689, A replaced by G.
Protein change: p.Gln1230Arg; replaces glutamine 1230 with arginine.
Molecular consequence: missense variant.
Genome position (GRCh38, 1-based): chr19:42,288,918, A>G. VCF-style: chr19-42288918-A-G. GRCh37 (hg19) VCF-style: chr19-42793070-A-G.
Other names: c.3689A>G, p.Gln1230Arg (NM_001304815.2, NM_001379480.1, NM_001379482.1); c.962A>G, p.Gln321Arg (NM_001379484.1, NM_001379485.1, NM_015125.5); short protein forms Q1230R, Q321R.
Identifiers: ClinVar variation 3336381 (VCV003336381.1).

ClinVar aggregate classification (germline): Uncertain significance (1 of 4 stars; one submission).

gnomAD v4.1: 8 of 1,613,974 alleles (0.0005%); highest among the groups gnomAD compares: Non-Finnish European, 0.00068%; no homozygotes.

Submission:

Women's Health and Genetics/Laboratory Corporation of America, LabCorp
Classification: Uncertain significance. Last evaluated: 2024-05-24. Review status: criteria provided, single submitter. Criteria: LabCorp Variant Classification Summary - May 2015. Collection method: clinical testing. Allele origin: germline.
Comment: Variant summary: CIC c.962A>G (p.Gln321Arg) results in a conservative amino acid change in the encoded protein sequence. Four of five in-silico tools predict a benign effect of the variant on protein function. The variant was absent in 251054 control chromosomes. The available data on variant occurrences in the general population are insufficient to allow any conclusion about variant significance. To our knowledge, no occurrence of c.962A>G in individuals affected with Mental Retardation, Autosomal Dominant 45 and no experimental evidence demonstrating its impact on protein function have been reported. No submitters have cited clinical-significance assessments for this variant to ClinVar. Based on the evidence outlined above, the variant was classified as uncertain significance.